The following is an entry in ClinVar:

NM_005121.3(MED13):c.5231T>C (p.Met1744Thr)

Gene: MED13 (mediator complex subunit 13; minus strand). Cytogenetic location: 17q23.2.
Variant type: single nucleotide variant.
Coding change: c.5231T>C on transcript NM_005121.3 (MANE Select); coding-DNA position 5231, T replaced by C.
Protein change: p.Met1744Thr; replaces methionine 1744 with threonine.
Molecular consequence: missense variant.
Genome position (GRCh38, 1-based): chr17:61,961,613, A>G on the plus strand (T>C on the coding strand, the complement: MED13 is on the minus strand). VCF-style: chr17-61961613-A-G. GRCh37 (hg19) VCF-style: chr17-60038974-A-G.
Other names: short protein forms M1744T.
Identifiers: ClinVar variation 3344042 (VCV003344042.1).
Genomic context (GRCh38, chr17:61,961,613, plus strand): 5'-TCATTGAACTTCGGTCATGAAAAACATATACTTACATCAGGACTTCTAAGGGCAGTTTCC[A>G]TGGCTAAACCTGGACCAAAGCCAGTCAATGTTTTCACATTGGTTGATGTTGGAAGTGGCC-3'
Protein context (NP_005112.2, residues 1734-1754): TLTGFGPGLA[Met1744Thr]ETALRSPDRP

ClinVar aggregate classification (germline): Uncertain significance (0 of 4 stars; one submission).

Conditions:
MED13-related disorder. Also called: MED13-related condition.

Submission:

PreventionGenetics, part of Exact Sciences
Classification: Uncertain significance for MED13-related condition. Last evaluated: 2024-05-01. Review status: no assertion criteria provided. Collection method: clinical testing. Allele origin: germline.
Comment: The MED13 c.5231T>C variant is predicted to result in the amino acid substitution p.Met1744Thr. To our knowledge, this variant has not been reported in the literature. This variant is reported in 0.0041% of alleles in individuals of African descent in gnomAD. At this time, the clinical significance of this variant is uncertain due to the absence of conclusive functional and genetic evidence.